The following is an entry in ClinVar:

NM_001042492.3(NF1):c.6967C>T (p.Leu2323=)

Gene: NF1 (neurofibromin 1; plus strand). Cytogenetic location: 17q11.2.
Variant type: single nucleotide variant.
Coding change: c.6967C>T on transcript NM_001042492.3 (MANE Select); coding-DNA position 6967, C replaced by T.
Protein change: p.Leu2323=; no amino-acid change (leucine 2323 retained).
Molecular consequence: synonymous variant.
Genome position (GRCh38, 1-based): chr17:31,340,550, C>T. VCF-style: chr17-31340550-C-T. GRCh37 (hg19) VCF-style: chr17-29667568-C-T.
Other names: c.6904C>T, p.Leu2302= (NM_000267.4).
Identifiers: ClinVar variation 232913 (VCV000232913.3), dbSNP rs876660069, ClinGen allele CA10580396.
Genomic context (GRCh38, chr17:31,340,550, plus strand): 5'-TATCTTCTTTGCCAGGACTCGCCTCTGCACAAAGCCCTCTTTTGGGTAGCTGTGGCTGTG[C>T]TGCAGCTTGATGAGGTCAACTTGTATTCAGCAGGTACCGCACTTCTTGAACAAAACCTGC-3'
Protein context (NP_001035957.1, residues 2313-2333): KALFWVAVAV[Leu2323=]QLDEVNLYSA

ClinVar aggregate classification (germline): Likely benign (1 of 4 stars; one submission).

Conditions:
Hereditary cancer-predisposing syndrome. Also called: Neoplastic Syndromes, Hereditary; Tumor predisposition; Hereditary Cancer Syndrome; Hereditary neoplastic syndrome. Identifiers: Orphanet 140162, MedGen C0027672, MeSH D009386, MONDO:0015356.

Submission:

Ambry Genetics
Classification: Likely benign for Hereditary cancer-predisposing syndrome. Last evaluated: 2015-07-08. Review status: criteria provided, single submitter. Criteria: Ambry Autosomal Dominant and X-Linked criteria (10/2015). Collection method: clinical testing. Allele origin: germline. Observed: 1 variant allele.
Comment: Synonymous alterations with insufficient evidence to classify as benign